The following is an entry in ClinVar:

ClinVar aggregate classification (germline): Conflicting classifications of pathogenicity. Review status: criteria provided, conflicting classifications (1 of 4 stars). 4 submissions from 4 submitters: Likely pathogenic (1); Uncertain significance (2). 1 of the submissions does not count toward it. Last evaluated 2026-07-09.

Conditions:
Hereditary factor XI deficiency disease. Also called: Congenital factor XI deficiency; PLASMA THROMBOPLASTIN ANTECEDENT DEFICIENCY; PTA DEFICIENCY; ROSENTHAL SYNDROME. Identifiers: Orphanet 329, MedGen C0015523, MeSH D005173, MONDO:0012897, OMIM 612416.

Allele frequency attached by ClinVar (database versions not stated): ExAC 0.00001; gnomAD 0.00001; TOPMed 0.00001.
gnomAD v4.1: 4 of 1,613,906 alleles (0.00025%); highest among the groups gnomAD compares: Non-Finnish European, 0.00034%; no homozygotes.

Submissions (4):

Myriad Genetics, Inc.
Classification: Uncertain significance for Hereditary factor XI deficiency disease. Last evaluated: 2026-07-09. Review status: criteria provided, single submitter. Criteria: Myriad Autosomal Dominant, Autosomal Recessive and X-Linked Classification Criteria (2023). Collection method: clinical testing. Allele origin: unknown.
Comment: NM_000128.3(F11):c.1103G>C(G368A) is a missense variant classified as a variant of uncertain significance in the context of factor XI deficiency. G368A has been observed in a case with relevant disease (PMID: 14717969). Relevant functional assessments of this variant are not available in the literature. G368A has not been observed in referenced population frequency databases. In summary, there is insufficient evidence to classify NM_000128.3(F11):c.1103G>C(G368A) as pathogenic or benign. Please note: this variant was assessed in the context of healthy population screening.

Labcorp Genetics (formerly Invitae), Labcorp
Classification: Likely pathogenic. Last evaluated: 2023-09-08. Review status: criteria provided, single submitter. Criteria: Invitae Variant Classification Sherloc (09022015). Collection method: clinical testing. Allele origin: germline.
Comment: In summary, the currently available evidence indicates that the variant is pathogenic, but additional data are needed to prove that conclusively. Therefore, this variant has been classified as Likely Pathogenic. This variant disrupts the p.Gly368 amino acid residue in F11. Other variant(s) that disrupt this residue have been observed in individuals with F11-related conditions (PMID: 14717969, 20523169, 33751533), which suggests that this may be a clinically significant amino acid residue. Advanced modeling of protein sequence and biophysical properties (such as structural, functional, and spatial information, amino acid conservation, physicochemical variation, residue mobility, and thermodynamic stability) performed at Invitae indicates that this missense variant is expected to disrupt F11 protein function. ClinVar contains an entry for this variant (Variation ID: 551619). This variant is also known as G350A. This missense change has been observed in individual(s) with factor XI deficiency (PMID: 14717969). This variant is present in population databases (rs748926718, gnomAD 0.0009%). This sequence change replaces glycine, which is neutral and non-polar, with alanine, which is neutral and non-polar, at codon 368 of the F11 protein (p.Gly368Ala).

Women's Health and Genetics/Laboratory Corporation of America, LabCorp
Classification: Uncertain significance. Last evaluated: 2023-08-15. Review status: criteria provided, single submitter. Criteria: LabCorp Variant Classification Summary - May 2015. Collection method: clinical testing. Allele origin: germline.
Comment: Variant summary: F11 c.1103G>C (p.Gly368Ala) results in a non-conservative amino acid change located in the Apple domain (IPR000177) of the encoded protein sequence. Five of five in-silico tools predict a damaging effect of the variant on protein function. The variant allele was found at a frequency of 4e-06 in 251366 control chromosomes (gnomAD). The available data on variant occurrences in the general population are insufficient to allow any conclusion about variant significance. c.1103G>C has been reported in the literature in an individual affected with Hereditary factor XI deficiency disease who also had a truncating variant without a confirmed phase (Qulin_2004). These data do not allow any conclusion about variant significance. To our knowledge, no experimental evidence demonstrating an impact on protein function has been reported. The following publication has been ascertained in the context of this evaluation (PMID: 14717969). One submitter has cited a clinical-significance assessment for this variant to ClinVar after 2014 and has classified the variant as uncertain significance. Based on the evidence outlined above, the variant was classified as uncertain significance.

Counsyl
Classification: Uncertain significance for Hereditary factor XI deficiency disease. Last evaluated: 2017-04-21. Review status: no assertion criteria provided. Collection method: clinical testing. Allele origin: unknown. Not counted in ClinVar's aggregate classification.

Literature cited by the submitters: PubMed 14717969 (cited by 4 submitters); PubMed 20523169 (cited by Labcorp Genetics (formerly Invitae), Labcorp); PubMed 33751533 (cited by Labcorp Genetics (formerly Invitae), Labcorp); PubMed 16086308 (cited by Counsyl); PubMed 15026311 (cited by Counsyl); PubMed 22197449 (cited by Counsyl); PubMed 19652879 (cited by Counsyl).

NM_000128.4(F11):c.1103G>C (p.Gly368Ala)

Gene: F11 (coagulation factor XI; plus strand). Cytogenetic location: 4q35.2.
Variant type: single nucleotide variant.
Coding change: c.1103G>C on transcript NM_000128.4 (MANE Select); coding-DNA position 1103, G replaced by C.
Protein change: p.Gly368Ala; replaces glycine 368 with alanine.
Molecular consequence: missense variant.
Genome position (GRCh38, 1-based): chr4:186,280,548, G>C. VCF-style: chr4-186280548-G-C. GRCh37 (hg19) VCF-style: chr4-187201702-G-C.
Other names: short protein forms G368A.
Identifiers: ClinVar variation 551619 (VCV000551619.7), dbSNP rs748926718, ClinGen allele CA3163878.